The following is an entry in ClinVar:

ClinVar aggregate classification (germline): Uncertain significance. Review status: criteria provided, multiple submitters, no conflicts (2 of 4 stars). 5 submissions from 5 submitters: Uncertain significance (5). Last evaluated 2025-03-08.

Conditions:
Mitochondrial complex 2 deficiency, nuclear type 3. Also called: MITOCHONDRIAL COMPLEX II DEFICIENCY, NUCLEAR TYPE 3. Identifiers: MedGen C5436934, MONDO:0030937, OMIM 619167.
Pheochromocytoma/paraganglioma syndrome 1. Also called: PARAGANGLIOMAS, FAMILIAL NONCHROMAFFIN, 1; PGL 1; Paragangliomas familial 1; Paragangliomas 1; Glomus tumors familial 1; SDHD-Related Hereditary Paraganglioma-Pheochromocytoma Syndrome. Identifiers: Orphanet 29072, MedGen C3494181, MONDO:0008192, OMIM 168000.
Carney-Stratakis syndrome. Also called: PARAGANGLIOMA AND GASTROINTESTINAL STROMAL TUMOR. Identifiers: Orphanet 97286, MedGen C1847319, MONDO:0011740, OMIM 606864.
Hereditary pheochromocytoma and paraganglioma. Also called: Hereditary paragangliomas and pheochromocytomas; Hereditary pheochromocytoma-paraganglioma; Hereditary Paraganglioma-Pheochromocytoma Syndromes. Identifiers: Orphanet 29072, MedGen C4274332, MONDO:0017366.
Paragangliomas with sensorineural hearing loss. Identifiers: MedGen C1868633.
Cowden syndrome 3 (CWS3). Identifiers: Orphanet 201, MedGen CN166604, MONDO:0014045.
Pheochromocytoma. Also called: MAX-Related Hereditary Paraganglioma-Pheochromocytoma Syndrome. Identifiers: Orphanet 29072, MedGen C0031511, MONDO:0008233, OMIM 171300, HP:0002666.
Hereditary cancer-predisposing syndrome. Also called: Hereditary neoplastic syndrome; Neoplastic Syndromes, Hereditary; Hereditary Cancer Syndrome; Tumor predisposition. Identifiers: Orphanet 140162, MedGen C0027672, MeSH D009386, MONDO:0015356.

Allele frequency attached by ClinVar (database versions not stated): gnomAD exomes below 0.00001; TOPMed 0.00001.
gnomAD v4.1: 3 of 1,611,756 alleles (0.00019%); highest among the groups gnomAD compares: Non-Finnish European, 0.00025%; no homozygotes.

Submissions (5):

Ambry Genetics
Classification: Uncertain significance for Hereditary cancer-predisposing syndrome. Last evaluated: 2025-03-08. Review status: criteria provided, single submitter. Criteria: Ambry Variant Classification Scheme 2023. Collection method: clinical testing. Allele origin: germline.
Comment: The p.L107F variant (also known as c.319C>T), located in coding exon 4 of the SDHD gene, results from a C to T substitution at nucleotide position 319. The leucine at codon 107 is replaced by phenylalanine, an amino acid with highly similar properties. This variant was reported in an individual with features consistent with SDHD-related paraganglioma-pheochromocytoma syndrome who had a likely pathogenic SDHC variant (Williams ST et al. Clin Endocrinol (Oxf), 2022 Apr;96:499-512). This amino acid position is not well conserved in available vertebrate species. In addition, the in silico prediction for this alteration is inconclusive. Based on the available evidence, the clinical significance of this variant remains unclear.

Blueprint Genetics
Classification: Uncertain significance. Last evaluated: 2024-09-10. Review status: criteria provided, single submitter. Criteria: ACMG Guidelines, 2015. Collection method: clinical testing. Allele origin: germline.

All of Us Research Program, National Institutes of Health
Classification: Uncertain significance for Hereditary pheochromocytoma and paraganglioma. Last evaluated: 2024-08-06. Review status: criteria provided, single submitter. Criteria: ACMG Guidelines, 2015. Collection method: clinical testing. Allele origin: germline. Inheritance: Autosomal dominant inheritance. Observed: 1 variant allele, 1 heterozygote.
Comment: This study involves interpretation of variants in research participants for the purpose of population health screening. Participant phenotype was not available at the time of variant classification. Additional details can be found in publication PMID: 35346344, PMCID: PMC8962531

Labcorp Genetics (formerly Invitae), Labcorp
Classification: Uncertain significance for Carney-Stratakis syndrome; Paragangliomas with sensorineural hearing loss; Pheochromocytoma; Cowden syndrome 3. Last evaluated: 2024-05-04. Review status: criteria provided, single submitter. Criteria: Invitae Variant Classification Sherloc (09022015). Collection method: clinical testing. Allele origin: germline.
Comment: This sequence change replaces leucine, which is neutral and non-polar, with phenylalanine, which is neutral and non-polar, at codon 107 of the SDHD protein (p.Leu107Phe). This variant is not present in population databases (gnomAD no frequency). This missense change has been observed in individual(s) with clinical features of SDHD-related conditions (PMID: 34906457). ClinVar contains an entry for this variant (Variation ID: 578681). Advanced modeling of protein sequence and biophysical properties (such as structural, functional, and spatial information, amino acid conservation, physicochemical variation, residue mobility, and thermodynamic stability) has been performed at Invitae for this missense variant, however the output from this modeling did not meet the statistical confidence thresholds required to predict the impact of this variant on SDHD protein function. This variant disrupts the p.Leu107 amino acid residue in SDHD. Other variant(s) that disrupt this residue have been determined to be pathogenic (PMID: 28977582, 32035780; Invitae). This suggests that this residue is clinically significant, and that variants that disrupt this residue are likely to be disease-causing. In summary, the available evidence is currently insufficient to determine the role of this variant in disease. Therefore, it has been classified as a Variant of Uncertain Significance.

Fulgent Genetics
Classification: Uncertain significance for Pheochromocytoma/paraganglioma syndrome 1; Carney-Stratakis syndrome; Mitochondrial complex 2 deficiency, nuclear type 3. Last evaluated: 2024-01-04. Review status: criteria provided, single submitter. Criteria: ACMG Guidelines, 2015. Collection method: clinical testing. Allele origin: germline.

Literature cited by the submitters: PubMed 34558728 (cited by Ambry Genetics); PubMed 34906457 (cited by Labcorp Genetics (formerly Invitae), Labcorp); PubMed 28977582 (cited by Labcorp Genetics (formerly Invitae), Labcorp); PubMed 32035780 (cited by Labcorp Genetics (formerly Invitae), Labcorp).

NM_003002.4(SDHD):c.319C>T (p.Leu107Phe)

Gene: SDHD (succinate dehydrogenase complex subunit D; plus strand). Cytogenetic location: 11q23.1.
Variant type: single nucleotide variant.
Coding change: c.319C>T on transcript NM_003002.4 (MANE Select); coding-DNA position 319, C replaced by T.
Protein change: p.Leu107Phe; replaces leucine 107 with phenylalanine.
Molecular consequence: missense variant. On other transcripts: synonymous variant (1), 3 prime UTR variant (1), non-coding transcript variant (1).
Genome position (GRCh38, 1-based): chr11:112,094,809, C>T. VCF-style: chr11-112094809-C-T. GRCh37 (hg19) VCF-style: chr11-111965533-C-T.
Other names: c.174C>T, p.Ala58= (NM_001276503.2); c.202C>T, p.Leu68Phe (NM_001276504.2); c.*17C>T (NM_001276506.2); short protein forms L107F, L68F.
Identifiers: ClinVar variation 578681 (VCV000578681.18), dbSNP rs1209781530, ClinGen allele CA382618740.